The following is an entry in ClinVar:

ClinVar aggregate classification (germline): Uncertain significance. Review status: criteria provided, single submitter (1 of 4 stars). 2 submissions from 2 submitters: Uncertain significance (1). 1 of the submissions does not count toward it. Last evaluated 2026-02-09.

Conditions:
Joubert syndrome. Also called: JOUBERT-BOLTSHAUSER SYNDROME; Familial aplasia of the vermis. Identifiers: Orphanet 475, MedGen C5979921, MONDO:0018772.
RPGRIP1L-related disorder. Also called: RPGRIP1L-related disorders; RPGRIP1L-related condition. Identifiers: MedGen CN239416.

Submissions (2):

PreventionGenetics, part of Exact Sciences
Classification: Uncertain significance for RPGRIP1L-related condition. Last evaluated: 2026-02-09. Review status: criteria provided, single submitter. Criteria: ACMG Guidelines, 2015. Collection method: clinical testing. Allele origin: germline.
Comment: The RPGRIP1L c.1462A>G variant is predicted to result in the amino acid substitution p.Asn488Asp. To our knowledge, this variant has not been reported in the literature. This variant is reported in 0.0029% of alleles in individuals of Latino descent in gnomAD. At this time, the clinical significance of this variant is uncertain due to the absence of conclusive functional and genetic evidence.

Natera, Inc.
Classification: Uncertain significance for Joubert syndrome. Last evaluated: 2025-03-31. Review status: no assertion criteria provided. Collection method: clinical testing. Allele origin: germline. Not counted in ClinVar's aggregate classification.

NM_015272.5(RPGRIP1L):c.1462A>G (p.Asn488Asp)

Gene: RPGRIP1L (RPGRIP1 like; minus strand). Cytogenetic location: 16q12.2.
Variant type: single nucleotide variant.
Coding change: c.1462A>G on transcript NM_015272.5 (MANE Select); coding-DNA position 1462, A replaced by G.
Protein change: p.Asn488Asp; replaces asparagine 488 with aspartic acid.
Molecular consequence: missense variant.
Genome position (GRCh38, 1-based): chr16:53,657,572, T>C on the plus strand (A>G on the coding strand, the complement: RPGRIP1L is on the minus strand). VCF-style: chr16-53657572-T-C. GRCh37 (hg19) VCF-style: chr16-53691484-T-C.
Other names: c.1462A>G, p.Asn488Asp (NM_001127897.4, NM_001308334.3, NM_001330538.2); short protein forms N488D.
Identifiers: ClinVar variation 4060845 (VCV004060845.2).